The following is an entry in ClinVar:

ClinVar aggregate classification (germline): Uncertain significance (1 of 4 stars; one submission).

Conditions:
Severe combined immunodeficiency due to DNA-PKcs deficiency. Also called: IMMUNODEFICIENCY 26 WITH NEUROLOGIC ABNORMALITIES; Immunodeficiency 26 with or without neurologic abnormalities. Identifiers: Orphanet 317425, MedGen C4014833, MONDO:0014423, OMIM 615966.

Submission:

Labcorp Genetics (formerly Invitae), Labcorp
Classification: Uncertain significance for Severe combined immunodeficiency due to DNA-PKcs deficiency. Last evaluated: 2021-12-03. Review status: criteria provided, single submitter. Criteria: Invitae Variant Classification Sherloc (09022015). Collection method: clinical testing. Allele origin: germline.
Comment: This sequence change replaces valine with leucine at codon 1795 of the PRKDC protein (p.Val1795Leu). The valine residue is moderately conserved and there is a small physicochemical difference between valine and leucine. This variant is not present in population databases (gnomAD no frequency). This variant has not been reported in the literature in individuals affected with PRKDC-related conditions. Experimental studies and prediction algorithms are not available or were not evaluated, and the functional significance of this variant is currently unknown. In summary, the available evidence is currently insufficient to determine the role of this variant in disease. Therefore, it has been classified as a Variant of Uncertain Significance.

NM_006904.7(PRKDC):c.5383G>C (p.Val1795Leu)

Gene: PRKDC (protein kinase, DNA-activated, catalytic subunit; minus strand). Cytogenetic location: 8q11.21.
Variant type: single nucleotide variant.
Coding change: c.5383G>C on transcript NM_006904.7 (MANE Select); coding-DNA position 5383, G replaced by C.
Protein change: p.Val1795Leu; replaces valine 1795 with leucine.
Molecular consequence: missense variant.
Genome position (GRCh38, 1-based): chr8:47,864,744, C>G on the plus strand (G>C on the coding strand, the complement: PRKDC is on the minus strand). VCF-style: chr8-47864744-C-G. GRCh37 (hg19) VCF-style: chr8-48777305-C-G.
Other names: c.5383G>C, p.Val1795Leu (NM_001081640.2); short protein forms V1795L.
Identifiers: ClinVar variation 1362678 (VCV001362678.1), dbSNP rs2154500816, ClinGen allele CA371163687.
Genomic context (GRCh38, chr8:47,864,744, plus strand): 5'-TGAAACTTAGGCGGGGGTCATCCTTCCTGAACATTTCATACACGCTTTCCAGAAGGCCTA[C>G]TTGTGTGACACATGAACCCCTAAGAAAACAAGATAAAATTATATGAACATCCCTGCTTTG-3'
Protein context (NP_008835.5, residues 1785-1805): IARRGSCVTQ[Val1795Leu]GLLESVYEMF